The following is an entry in ClinVar:

NM_005257.6(GATA6):c.1774CTGGCC[3] (p.Ala595_Ter596insLeuAla)

Gene: GATA6 (GATA binding protein 6; plus strand). Cytogenetic location: 18q11.2.
Variant type: Microsatellite.
Coding change: c.1774CTGGCC[3] on transcript NM_005257.6 (MANE Select); three copies in a row of the 6-base unit CTGGCC starting at c.1774; the reference has two copies in a row; one copy, 6 bases duplicated.
Protein change: p.Ala595_Ter596insLeuAla.
Molecular consequence: inframe insertion.
Genome position (GRCh38, 1-based): chr18:22,200,815-22,200,820, CTGGCC duplicated; duplicating any 6 consecutive bases within chr18:22,200,806-22,200,820 gives the same sequence; the position shown is the placement nearest the transcript's 3' end. VCF-style (leftmost placement, unchanged base first): chr18-22200805-C-CGCCCTG. GRCh37 (hg19) VCF-style: chr18-19780768-C-CGCCCTG.
Identifiers: ClinVar variation 2693416 (VCV002693416.3), dbSNP rs2510640206, ClinGen allele CA2697555326.
Genomic context (GRCh38, chr18:22,200,805, plus strand): 5'-AGGCGTCAGTCTCGCCTCGCCGGCCGAAGTCACGTCCTCCGTGCGACCGGATTCCTGGTG[C>CGCCCTG]GCCCTGGCCCTGGCCTGAGCCCACGCCGCCAGGAGGCAGGGAGGGCTCCGCCGCGGGCCT-3'

ClinVar aggregate classification (germline): Uncertain significance (1 of 4 stars; one submission).

Conditions:
Atrioventricular septal defect 5 (AVSD5). Identifiers: MedGen C3280939, MONDO:0013769, OMIM 614474.

Submission:

Labcorp Genetics (formerly Invitae), Labcorp
Classification: Uncertain significance for Atrioventricular septal defect 5. Last evaluated: 2023-11-05. Review status: criteria provided, single submitter. Criteria: Invitae Variant Classification Sherloc (09022015). Collection method: clinical testing. Allele origin: germline.
Comment: This sequence change disrupts the translational stop signal of the GATA6 mRNA. It is expected to extend the length of the GATA6 protein by 2 additional amino acid residues. This variant is not present in population databases (gnomAD no frequency). This variant has not been reported in the literature in individuals affected with GATA6-related conditions. Experimental studies and prediction algorithms are not available or were not evaluated, and the functional significance of this variant is currently unknown. In summary, the available evidence is currently insufficient to determine the role of this variant in disease. Therefore, it has been classified as a Variant of Uncertain Significance.